The following is an entry in ClinVar:

NM_015681.6(B9D1):c.-24C>A

Genes: B9D1 (B9 domain containing 1; minus strand), LOC130060455 (ATAC-STARR-seq lymphoblastoid silent region 8288; plus strand). Cytogenetic location: 17p11.2.
Variant type: single nucleotide variant.
Coding change: c.-24C>A on transcript NM_015681.6 (MANE Select); 24 bases upstream of the start codon, C replaced by A.
Molecular consequence: 5 prime UTR variant. On other transcripts: intron variant (1).
Genome position (GRCh38, 1-based): chr17:19,362,593, G>T on the plus strand (C>A on the coding strand, the complement: B9D1 is on the minus strand). VCF-style: chr17-19362593-G-T. GRCh37 (hg19) VCF-style: chr17-19265906-G-T.
Other names: NM_001243473.2:c.122+7C>A; c.-24C>A (NM_001321214.2, NM_001321215.3, NM_001321216.2 and 4 more transcripts); c.-297-2205C>A (NM_001368769.2).
Identifiers: ClinVar variation 3040407 (VCV003040407.3), dbSNP rs374581463, ClinGen allele CA8440407.
Genomic context (GRCh38, chr17:19,362,593, plus strand): 5'-CCATGAGTAGAAAGACGCTAGGACTCGCGGTCGCCATGGCAGGTCTGGGGGTGCCGGGGG[G>T]ACCCACCTAGGCCGCGCGCGGTTGCTAAGAGACGCCGGCGTTGCCCTAGAAACAGACGGC-3'

ClinVar aggregate classification (germline): Likely benign. Review status: criteria provided, single submitter (1 of 4 stars). 2 submissions from 2 submitters: Likely benign (1). 1 of the submissions does not count toward it. Last evaluated 2024-08-22.

Conditions:
B9D1-related disorder. Also called: B9D1-related condition; B9D1-related disorders.

Allele frequency attached by ClinVar (database versions not stated): ESP Exome Variant Server 0.00039; 1000 Genomes Project 0.00040; 1000 Genomes Project 30x 0.00047; TOPMed 0.00080.
gnomAD v4.1: 206 of 1,583,746 alleles (0.013%); highest among the groups gnomAD compares: African/African-American, 0.23%; no homozygotes.

Submissions (2):

Blueprint Genetics
Classification: Likely benign. Last evaluated: 2024-08-22. Review status: criteria provided, single submitter. Criteria: ACMG Guidelines, 2015. Collection method: clinical testing. Allele origin: germline.

PreventionGenetics, part of Exact Sciences
Classification: Likely benign for B9D1-related condition. Last evaluated: 2019-10-01. Review status: no assertion criteria provided. Collection method: clinical testing. Allele origin: germline. Not counted in ClinVar's aggregate classification.
Comment: This variant is classified as likely benign based on ACMG/AMP sequence variant interpretation guidelines (Richards et al. 2015 PMID: 25741868, with internal and published modifications).